The following is an entry in ClinVar:

NM_177438.3(DICER1):c.5758C>G (p.Pro1920Ala)

Gene: DICER1 (dicer 1, ribonuclease III; minus strand). Cytogenetic location: 14q32.13.
Variant type: single nucleotide variant.
Coding change: c.5758C>G on transcript NM_177438.3 (MANE Select); coding-DNA position 5758, C replaced by G.
Protein change: p.Pro1920Ala; replaces proline 1920 with alanine.
Molecular consequence: missense variant. On other transcripts: 3 prime UTR variant (1), non-coding transcript variant (4).
Genome position (GRCh38, 1-based): chr14:95,090,509, G>C on the plus strand (C>G on the coding strand, the complement: DICER1 is on the minus strand). VCF-style: chr14-95090509-G-C. GRCh37 (hg19) VCF-style: chr14-95556846-G-C.
Other names: c.*105C>G (NM_001195573.1); c.5758C>G, p.Pro1920Ala (NM_001271282.3, NM_001291628.2, NM_001395677.1 and 7 more transcripts); c.5476C>G, p.Pro1826Ala (NM_001395686.1); c.5353C>G, p.Pro1785Ala (NM_001395687.1, NM_001395688.1, NM_001395689.1 and 1 more transcripts); c.5191C>G, p.Pro1731Ala (NM_001395691.1); c.4075C>G, p.Pro1359Ala (NM_001395697.1); short protein forms P1826A, P1731A, P1920A, P1359A, P1785A.
Identifiers: ClinVar variation 4011590 (VCV004011590.1).

ClinVar aggregate classification (germline): Uncertain significance (1 of 4 stars; one submission).

Conditions:
Hereditary cancer-predisposing syndrome. Also called: Tumor predisposition; Hereditary neoplastic syndrome; Neoplastic Syndromes, Hereditary; Hereditary Cancer Syndrome. Identifiers: Orphanet 140162, MedGen C0027672, MeSH D009386, MONDO:0015356.

Submission:

Ambry Genetics
Classification: Uncertain significance for Hereditary cancer-predisposing syndrome. Last evaluated: 2025-03-18. Review status: criteria provided, single submitter. Criteria: Ambry Variant Classification Scheme 2023. Collection method: clinical testing. Allele origin: germline.
Comment: The p.P1920A variant (also known as c.5758C>G), located in coding exon 26 of the DICER1 gene, results from a C to G substitution at nucleotide position 5758. The proline at codon 1920 is replaced by alanine, an amino acid with highly similar properties. This amino acid position is conserved. In addition, this alteration is predicted to be tolerated by in silico analysis. Based on the available evidence, the clinical significance of this variant remains unclear.